The following is an entry in ClinVar:

ClinVar aggregate classification (germline): Likely benign. Review status: criteria provided, multiple submitters, no conflicts (2 of 4 stars). 2 submissions from 2 submitters: Likely benign (2). Last evaluated 2023-10-28.

Submissions (2):

Labcorp Genetics (formerly Invitae), Labcorp
Classification: Likely benign. Last evaluated: 2023-10-28. Review status: criteria provided, single submitter. Criteria: Invitae Variant Classification Sherloc (09022015). Collection method: clinical testing. Allele origin: germline.

CeGaT Center for Human Genetics Tuebingen
Classification: Likely benign. Last evaluated: 2022-06-01. Review status: criteria provided, single submitter. Criteria: CeGaT Center For Human Genetics Tuebingen Variant Classification Criteria Version 2. Collection method: clinical testing. Allele origin: germline. Affected: yes. Observed: 1 variant allele.
Comment: OTOF: PM2:Supporting, BP4, BP7

NM_194248.3(OTOF):c.2604G>A (p.Lys868=)

Gene: OTOF (otoferlin; minus strand). Cytogenetic location: 2p23.3.
Variant type: single nucleotide variant.
Coding change: c.2604G>A on transcript NM_194248.3 (MANE Select); coding-DNA position 2604, G replaced by A.
Protein change: p.Lys868=; no amino-acid change (lysine 868 retained).
Molecular consequence: synonymous variant.
Genome position (GRCh38, 1-based): chr2:26,476,963, C>T on the plus strand (G>A on the coding strand, the complement: OTOF is on the minus strand). VCF-style: chr2-26476963-C-T. GRCh37 (hg19) VCF-style: chr2-26699831-C-T.
Other names: c.363G>A, p.Lys121= (NM_004802.4, NM_194323.3); c.534G>A, p.Lys178= (NM_194322.3); c.2604G>A, p.Lys868= (NM_001287489.2).
Identifiers: ClinVar variation 2650749 (VCV002650749.27), dbSNP rs2465591061, ClinGen allele CA425359862.